The following is an entry in ClinVar:

ClinVar aggregate classification (germline): Conflicting classifications of pathogenicity. Review status: criteria provided, conflicting classifications (1 of 4 stars). 3 submissions from 3 submitters: Uncertain significance (2); Likely benign (1). Last evaluated 2025-08-12.

Conditions:
Inborn genetic diseases. Identifiers: MedGen C0950123, MeSH D030342.

Submissions (3):

GeneDx
Classification: Uncertain significance. Last evaluated: 2025-08-12. Review status: criteria provided, single submitter. Criteria: GeneDx Variant Classification Process June 2021. Collection method: clinical testing. Allele origin: germline. Affected: yes.
Comment: Not observed at significant frequency in large population cohorts (gnomAD); In silico analysis suggests that this missense variant does not alter protein structure/function; Has not been previously published as pathogenic or benign to our knowledge

Ambry Genetics
Classification: Likely benign for Inborn genetic diseases. Last evaluated: 2023-07-19. Review status: criteria provided, single submitter. Criteria: Ambry Variant Classification Scheme 2023. Collection method: clinical testing. Allele origin: germline.

Revvity Omics, Revvity
Classification: Uncertain significance. Last evaluated: 2020-11-16. Review status: criteria provided, single submitter. Criteria: ACMG Guidelines, 2015. Collection method: clinical testing. Allele origin: germline.

NM_001497.4(B4GALT1):c.487A>G (p.Met163Val)

Gene: B4GALT1 (beta-1,4-galactosyltransferase 1; minus strand). Cytogenetic location: 9p21.1.
Variant type: single nucleotide variant.
Coding change: c.487A>G on transcript NM_001497.4 (MANE Select); coding-DNA position 487, A replaced by G.
Protein change: p.Met163Val; replaces methionine 163 with valine.
Molecular consequence: missense variant.
Genome position (GRCh38, 1-based): chr9:33,135,350, T>C on the plus strand (A>G on the coding strand, the complement: B4GALT1 is on the minus strand). VCF-style: chr9-33135350-T-C. GRCh37 (hg19) VCF-style: chr9-33135348-T-C.
Other names: c.448A>G, p.Met150Val (NM_001378495.1); c.487A>G, p.Met163Val (NM_001378496.1, NM_001378497.1); short protein forms M150V, M163V.
Identifiers: ClinVar variation 2439462 (VCV002439462.6), dbSNP rs940141048, ClinGen allele CA192443388.
Genomic context (GRCh38, chr9:33,135,350, plus strand): 5'-GAATGATGATGGCCACCTTGTGAGGAGAGACGCAGTCCCTGGGGGCATAGCGGCCGCCCA[T>C]CTTCACATTTGGGTTCTGCTTTGCCACGAGCTCCAGGTCCACAGGCATGTTAAACTCAAT-3'
Protein context (NP_001488.2, residues 153-173): LVAKQNPNVK[Met163Val]GGRYAPRDCV